The following is an entry in ClinVar:

ClinVar aggregate classification (germline): Conflicting classifications of pathogenicity. Review status: criteria provided, conflicting classifications (1 of 4 stars). 4 submissions from 4 submitters: Uncertain significance (1); Benign (1); Likely benign (1). 1 of the submissions does not count toward it. Last evaluated 2025-10-29.

Conditions:
COL11A1-related disorder. Also called: COL11A1-related disorders; COL11A1-related condition.

Allele frequency attached by ClinVar (database versions not stated): TOPMed 0.00006; gnomAD 0.00012 and 0.00013; gnomAD exomes 0.00016 and 0.00037; ESP Exome Variant Server 0.00031; ExAC 0.00056.
gnomAD v4.1: 267 of 1,613,644 alleles (0.017%); highest among the groups gnomAD compares: Non-Finnish European, 0.0099%; no homozygotes.

Submissions (4):

Labcorp Genetics (formerly Invitae), Labcorp
Classification: Uncertain significance. Last evaluated: 2025-10-29. Review status: criteria provided, single submitter. Criteria: Invitae Variant Classification Sherloc (09022015). Collection method: clinical testing. Allele origin: germline.
Comment: This sequence change falls in intron 45 of the COL11A1 gene. It does not directly change the encoded amino acid sequence of the COL11A1 protein. It affects a nucleotide within the consensus splice site. This variant is present in population databases (rs372941709, gnomAD 0.2%). This variant has been observed in individual(s) with clinical features of COL11A1-related conditions (PMID: 12673280). This variant is also known as IVS45+3G>A. ClinVar contains an entry for this variant (Variation ID: 1364086). Variants that disrupt the consensus splice site are a relatively common cause of aberrant splicing (PMID: 17576681, 9536098). Algorithms developed to predict the effect of sequence changes on RNA splicing suggest that this variant is not likely to affect RNA splicing. In summary, the available evidence is currently insufficient to determine the role of this variant in disease. Therefore, it has been classified as a Variant of Uncertain Significance.

Blueprint Genetics
Classification: Benign. Last evaluated: 2024-09-04. Review status: criteria provided, single submitter. Criteria: ACMG Guidelines, 2015. Collection method: clinical testing. Allele origin: germline.

GeneDx
Classification: Likely benign. Last evaluated: 2020-04-07. Review status: criteria provided, single submitter. Criteria: GeneDx Variant Classification Process June 2021. Collection method: clinical testing. Allele origin: germline. Affected: yes.
Comment: See Variant Classification Assertion Criteria.

PreventionGenetics, part of Exact Sciences
Classification: Likely benign for COL11A1-related condition. Last evaluated: 2019-04-24. Review status: no assertion criteria provided. Collection method: clinical testing. Allele origin: germline. Not counted in ClinVar's aggregate classification.
Comment: This variant is classified as likely benign based on ACMG/AMP sequence variant interpretation guidelines (Richards et al. 2015 PMID: 25741868, with internal and published modifications).

Literature cited by the submitters: PubMed 12673280 (cited by Labcorp Genetics (formerly Invitae), Labcorp); PubMed 17576681 (cited by Labcorp Genetics (formerly Invitae), Labcorp); PubMed 9536098 (cited by Labcorp Genetics (formerly Invitae), Labcorp).

NM_001854.4(COL11A1):c.3492+3G>A

Gene: COL11A1 (collagen type XI alpha 1 chain; minus strand). Cytogenetic location: 1p21.1.
Variant type: single nucleotide variant.
Coding change: c.3492+3G>A on transcript NM_001854.4 (MANE Select); 3 bases into the intron after coding-DNA position 3492, G replaced by A.
Molecular consequence: intron variant.
Genome position (GRCh38, 1-based): chr1:102,935,057, C>T on the plus strand (G>A on the coding strand, the complement: COL11A1 is on the minus strand). VCF-style: chr1-102935057-C-T. GRCh37 (hg19) VCF-style: chr1-103400613-C-T.
Other names: c.3375+3G>A (NM_001190709.2); c.3528+3G>A (NM_080629.3); c.3144+3G>A (NM_080630.4); c.3492+3G>A (NM_001854.3).
Identifiers: ClinVar variation 1364086 (VCV001364086.12), dbSNP rs372941709, ClinGen allele CA973999.
Genomic context (GRCh38, chr1:102,935,057, plus strand): 5'-GTATACAAATTTAATCAGGGAGCTGTAAGGATTTAGATTTGCTGAACAATGTGGAATACT[C>T]ACAGCAATTCCAGGGGCACCAACTGGTCCTTGAAGACCTGGGGGACCGGGAGGGCCCTGC-3'